The following is an entry in ClinVar:

ClinVar aggregate classification (germline): Uncertain significance. Review status: criteria provided, single submitter (1 of 4 stars). 2 submissions from 2 submitters: Uncertain significance (1). 1 of the submissions does not count toward it. Last evaluated 2023-08-23.

Conditions:
MAGEL2-related disorder. Also called: MAGEL2-related condition.

Allele frequency attached by ClinVar (database versions not stated): gnomAD 0.00001; gnomAD exomes 0.00003.
gnomAD v4.1: 41 of 1,535,072 alleles (0.0027%); highest among the groups gnomAD compares: East Asian, 0.1%; no homozygotes.

Submissions (2):

Labcorp Genetics (formerly Invitae), Labcorp
Classification: Uncertain significance. Last evaluated: 2023-08-23. Review status: criteria provided, single submitter. Criteria: Invitae Variant Classification Sherloc (09022015). Collection method: clinical testing. Allele origin: germline.
Comment: In summary, the available evidence is currently insufficient to determine the role of this variant in disease. Therefore, it has been classified as a Variant of Uncertain Significance. Experimental studies and prediction algorithms are not available or were not evaluated, and the functional significance of this variant is currently unknown. ClinVar contains an entry for this variant (Variation ID: 1985837). This variant has not been reported in the literature in individuals affected with MAGEL2-related conditions. This variant is present in population databases (no rsID available, gnomAD 0.02%). This sequence change replaces proline, which is neutral and non-polar, with arginine, which is basic and polar, at codon 154 of the MAGEL2 protein (p.Pro154Arg).

PreventionGenetics, part of Exact Sciences
Classification: Uncertain significance for MAGEL2-related condition. Last evaluated: 2024-03-15. Review status: no assertion criteria provided. Collection method: clinical testing. Allele origin: germline. Not counted in ClinVar's aggregate classification.
Comment: The MAGEL2 c.461C>G variant is predicted to result in the amino acid substitution p.Pro154Arg. This variant has been reported in an individual with clinically suspected Prader-Willi syndrome (Table 1. Negishi et al. 2019. PubMed ID: 31791363). This variant is reported in 0.019% of alleles in individuals of East Asian descent in gnomAD. This variant is interpreted as uncertain significance.

NM_019066.5(MAGEL2):c.461C>G (p.Pro154Arg)

Gene: MAGEL2 (MAGE family member L2; minus strand). Cytogenetic location: 15q11.2.
Variant type: single nucleotide variant.
Coding change: c.461C>G on transcript NM_019066.5 (MANE Select); coding-DNA position 461, C replaced by G.
Protein change: p.Pro154Arg; replaces proline 154 with arginine.
Molecular consequence: missense variant.
Genome position (GRCh38, 1-based): chr15:23,647,282, G>C on the plus strand (C>G on the coding strand, the complement: MAGEL2 is on the minus strand). VCF-style: chr15-23647282-G-C. GRCh37 (hg19) VCF-style: chr15-23892429-G-C.
Other names: c.461C>G (NM_019066.4); short protein forms P154R.
Identifiers: ClinVar variation 1985837 (VCV001985837.5), dbSNP rs1460068607, ClinGen allele CA391337175.